The following is an entry in ClinVar:

NM_021072.4(HCN1):c.2296G>A (p.Glu766Lys)

Gene: HCN1 (hyperpolarization activated cyclic nucleotide gated potassium channel 1; minus strand). Cytogenetic location: 5p12.
Variant type: single nucleotide variant.
Coding change: c.2296G>A on transcript NM_021072.4 (MANE Select); coding-DNA position 2296, G replaced by A.
Protein change: p.Glu766Lys; replaces glutamic acid 766 with lysine.
Molecular consequence: missense variant.
Genome position (GRCh38, 1-based): chr5:45,262,298, C>T on the plus strand (G>A on the coding strand, the complement: HCN1 is on the minus strand). VCF-style: chr5-45262298-C-T. GRCh37 (hg19) VCF-style: chr5-45262400-C-T.
Other names: short protein forms E766K.
Identifiers: ClinVar variation 3022307 (VCV003022307.3), dbSNP rs776567935, ClinGen allele CA3259136.

ClinVar aggregate classification (germline): Uncertain significance (1 of 4 stars; one submission).

Conditions:
Early-infantile DEE. Also called: Early infantile epileptic encephalopathy with suppression bursts; Early infantile epileptic encephalopathy; Ohtahara syndrome. Identifiers: Orphanet 1934, MedGen C0393706, MONDO:0800491.

Allele frequency attached by ClinVar (database versions not stated): gnomAD exomes 0.00001; TOPMed below 0.00001; ExAC 0.00001.
gnomAD v4.1: 21 of 1,613,960 alleles (0.0013%); highest among the groups gnomAD compares: Non-Finnish European, 0.0018%; no homozygotes.

Submission:

Labcorp Genetics (formerly Invitae), Labcorp
Classification: Uncertain significance for Early-infantile DEE. Last evaluated: 2025-02-24. Review status: criteria provided, single submitter. Criteria: Invitae Variant Classification Sherloc (09022015). Collection method: clinical testing. Allele origin: germline.
Comment: This sequence change replaces glutamic acid, which is acidic and polar, with lysine, which is basic and polar, at codon 766 of the HCN1 protein (p.Glu766Lys). This variant is present in population databases (rs776567935, gnomAD 0.002%). This variant has not been reported in the literature in individuals affected with HCN1-related conditions. ClinVar contains an entry for this variant (Variation ID: 3022307). Invitae Evidence Modeling of protein sequence and biophysical properties (such as structural, functional, and spatial information, amino acid conservation, physicochemical variation, residue mobility, and thermodynamic stability) indicates that this missense variant is not expected to disrupt HCN1 protein function with a negative predictive value of 95%. In summary, the available evidence is currently insufficient to determine the role of this variant in disease. Therefore, it has been classified as a Variant of Uncertain Significance.